The following is an entry in ClinVar:

ClinVar aggregate classification (germline): Likely benign. Review status: criteria provided, multiple submitters, no conflicts (2 of 4 stars). 2 submissions from 2 submitters: Likely benign (2). Last evaluated 2025-10-02.

Conditions:
Cornelia de Lange syndrome 1 (CDLS1). Also called: Brachmann de Lange syndrome; NIPBL-Related Cornelia de Lange Syndrome; TYPUS DEGENERATIVUS AMSTELODAMENSIS. Identifiers: Orphanet 199, MedGen C4551851, MONDO:0007387, OMIM 122470.

Allele frequency attached by ClinVar (database versions not stated): gnomAD exomes 0.00001 and 0.00003; gnomAD 0.00003; ExAC 0.00004; TOPMed 0.00005; ESP Exome Variant Server 0.00015; 1000 Genomes Project 0.00020.
gnomAD v4.1: 23 of 1,613,732 alleles (0.0014%); highest among the groups gnomAD compares: African/African-American, 0.0067%; no homozygotes.

Submissions (2):

Labcorp Genetics (formerly Invitae), Labcorp
Classification: Likely benign for Cornelia de Lange syndrome 1. Last evaluated: 2025-10-02. Review status: criteria provided, single submitter. Criteria: Invitae Variant Classification Sherloc (09022015). Collection method: clinical testing. Allele origin: germline.

Illumina Laboratory Services, Illumina
Classification: Likely benign for Cornelia de Lange syndrome 1. Last evaluated: 2018-01-13. Review status: criteria provided, single submitter. Criteria: ICSL Variant Classification Criteria 13 December 2019. Collection method: clinical testing. Allele origin: germline.
Comment: This variant was observed in the ICSL laboratory as part of a predisposition screen in an ostensibly healthy population. It had not been previously curated by ICSL or reported in the Human Gene Mutation Database (HGMD: prior to June 1st, 2018), and was therefore a candidate for classification through an automated scoring system. Utilizing variant allele frequency, disease prevalence and penetrance estimates, and inheritance mode, an automated score was calculated to assess if this variant is too frequent to cause the disease. Based on the score and internal cut-off values, a variant classified as likely benign is not then subjected to further curation. The score for this variant resulted in a classification of likely benign for this disease.

NM_133433.4(NIPBL):c.2856G>A (p.Ala952=)

Gene: NIPBL (NIPBL cohesin loading factor; plus strand). Cytogenetic location: 5p13.2.
Variant type: single nucleotide variant.
Coding change: c.2856G>A on transcript NM_133433.4 (MANE Select); coding-DNA position 2856, G replaced by A.
Protein change: p.Ala952=; no amino-acid change (alanine 952 retained).
Molecular consequence: synonymous variant.
Genome position (GRCh38, 1-based): chr5:36,986,036, G>A. VCF-style: chr5-36986036-G-A. GRCh37 (hg19) VCF-style: chr5-36986138-G-A.
Other names: c.2856G>A, p.Ala952= (NM_015384.5).
Identifiers: ClinVar variation 353376 (VCV000353376.8), dbSNP rs371566938, ClinGen allele CA3236234.